The following is an entry in ClinVar:

ClinVar aggregate classification (germline): Pathogenic (1 of 4 stars; one submission).

Conditions:
Myofibrillar myopathy 6. Identifiers: Orphanet 199340, MedGen C2751831, MONDO:0013061, OMIM 612954.
Dilated cardiomyopathy 1HH (CMD1HH). Identifiers: Orphanet 154, MedGen C3151293, MONDO:0013479, OMIM 613881.

Submission:

Labcorp Genetics (formerly Invitae), Labcorp
Classification: Pathogenic for Dilated cardiomyopathy 1HH; Myofibrillar myopathy 6. Last evaluated: 2020-08-04. Review status: criteria provided, single submitter. Criteria: Invitae Variant Classification Sherloc (09022015). Collection method: clinical testing. Allele origin: germline.
Comment: A gross deletion of the genomic region encompassing the full coding sequence of the BAG3 gene has been identified. The boundaries of this event are unknown as the deletion extends beyond the assayed region for this gene and therefore may encompass additional genes. This variant has not been reported in the literature in individuals with BAG3-related conditions. Loss-of-function variants in BAG3 are known to be pathogenic (PMID: 21353195, 25008357). For these reasons, this variant has been classified as Pathogenic.

Literature cited by the submitters: PubMed 21353195; PubMed 25008357.

NC_000010.10:g.(?_121411178)_(121437012_?)del

Gene: BAG3 (BAG cochaperone 3; plus strand). Cytogenetic location: 10q26.11.
Variant type: Deletion.
Identifiers: ClinVar variation 1076893 (VCV001076893.4).